The following is an entry in ClinVar:

ClinVar aggregate classification (germline): Benign/Likely benign. Review status: criteria provided, multiple submitters, no conflicts (2 of 4 stars). 6 submissions from 6 submitters: Benign (1); Likely benign (5). Last evaluated 2026-05-15.

Conditions:
Hereditary cancer-predisposing syndrome. Also called: Neoplastic Syndromes, Hereditary; Hereditary Cancer Syndrome; Tumor predisposition; Hereditary neoplastic syndrome. Identifiers: Orphanet 140162, MedGen C0027672, MeSH D009386, MONDO:0015356.
Neurofibromatosis, type 1 (NF1). Also called: Peripheral type neurofibromatosis; Neurofibromatosis, type I; VON RECKLINGHAUSEN DISEASE; NEUROFIBROMATOSIS, TYPE I, SOMATIC. Identifiers: Orphanet 636, MedGen C0027831, MONDO:0018975, OMIM 162200. Disease mechanism: loss of function.

Allele frequency attached by ClinVar (database versions not stated): gnomAD exomes below 0.00001; TOPMed 0.00001; gnomAD 0.00002.
gnomAD v4.1: 5 of 1,613,722 alleles (0.00031%); highest among the groups gnomAD compares: African/African-American, 0.0067%; no homozygotes.

Submissions (6):

Myriad Genetics, Inc.
Classification: Benign for Neurofibromatosis, type 1. Last evaluated: 2026-05-15. Review status: criteria provided, single submitter. Criteria: Myriad Autosomal Dominant, Autosomal Recessive and X-Linked Classification Criteria (2023). Collection method: clinical testing. Allele origin: unknown.
Comment: This variant is considered benign. This variant is a silent/synonymous amino acid change and it is not expected to impact splicing.

Labcorp Genetics (formerly Invitae), Labcorp
Classification: Likely benign for Neurofibromatosis, type 1. Last evaluated: 2025-06-05. Review status: criteria provided, single submitter. Criteria: Invitae Variant Classification Sherloc (09022015). Collection method: clinical testing. Allele origin: germline.

Blueprint Genetics
Classification: Likely benign. Last evaluated: 2022-07-26. Review status: criteria provided, single submitter. Criteria: ACMG Guidelines, 2015. Collection method: clinical testing. Allele origin: germline.

Genome-Nilou Lab
Classification: Likely benign for Neurofibromatosis, type 1. Last evaluated: 2022-03-15. Review status: criteria provided, single submitter. Criteria: ACMG Guidelines, 2015. Collection method: clinical testing. Allele origin: germline. Affected: no.

GeneDx
Classification: Likely benign. Last evaluated: 2019-12-17. Review status: criteria provided, single submitter. Criteria: GeneDx Variant Classification Process June 2021. Collection method: clinical testing. Allele origin: germline. Affected: yes.

Ambry Genetics
Classification: Likely benign for Hereditary cancer-predisposing syndrome. Last evaluated: 2015-06-24. Review status: criteria provided, single submitter. Criteria: Ambry Autosomal Dominant and X-Linked criteria (10/2015). Collection method: clinical testing. Allele origin: germline. Observed: 1 variant allele.

NM_001042492.3(NF1):c.1917T>C (p.Asn639=)

Gene: NF1 (neurofibromin 1; plus strand). Cytogenetic location: 17q11.2.
Variant type: single nucleotide variant.
Coding change: c.1917T>C on transcript NM_001042492.3 (MANE Select); coding-DNA position 1917, T replaced by C.
Protein change: p.Asn639=; no amino-acid change (asparagine 639 retained).
Molecular consequence: synonymous variant.
Genome position (GRCh38, 1-based): chr17:31,225,166, T>C. VCF-style: chr17-31225166-T-C. GRCh37 (hg19) VCF-style: chr17-29552184-T-C.
Other names: c.1917T>C, p.Asn639= (NM_000267.4).
Identifiers: ClinVar variation 232763 (VCV000232763.17), dbSNP rs876659976, ClinGen allele CA10580235.